The following is an entry in ClinVar:

NM_015404.4(WHRN):c.1565A>G (p.Tyr522Cys)

Gene: WHRN (whirlin; minus strand). Cytogenetic location: 9q32.
Variant type: single nucleotide variant.
Coding change: c.1565A>G on transcript NM_015404.4 (MANE Select); coding-DNA position 1565, A replaced by G.
Protein change: p.Tyr522Cys; replaces tyrosine 522 with cysteine.
Molecular consequence: missense variant.
Genome position (GRCh38, 1-based): chr9:114,423,375, T>C on the plus strand (A>G on the coding strand, the complement: WHRN is on the minus strand). VCF-style: chr9-114423375-T-C. GRCh37 (hg19) VCF-style: chr9-117185655-T-C.
Other names: c.416A>G, p.Tyr139Cys (NM_001083885.3); c.1565A>G, p.Tyr522Cys (NM_001173425.2); c.512A>G, p.Tyr171Cys (NM_001346890.1); short protein forms Y171C, Y522C, Y139C.
Identifiers: ClinVar variation 2092862 (VCV002092862.3), dbSNP rs755519779, ClinGen allele CA5205910.

ClinVar aggregate classification (germline): Uncertain significance (1 of 4 stars; one submission).

Allele frequency attached by ClinVar (database versions not stated): gnomAD 0.00001; TOPMed 0.00001; ExAC 0.00002.
gnomAD v4.1: 8 of 1,613,938 alleles (0.0005%); highest among the groups gnomAD compares: African/African-American, 0.0027%; no homozygotes.

Submission:

Labcorp Genetics (formerly Invitae), Labcorp
Classification: Uncertain significance. Last evaluated: 2023-11-27. Review status: criteria provided, single submitter. Criteria: Invitae Variant Classification Sherloc (09022015). Collection method: clinical testing. Allele origin: germline.
Comment: This sequence change replaces tyrosine, which is neutral and polar, with cysteine, which is neutral and slightly polar, at codon 522 of the WHRN protein (p.Tyr522Cys). This variant is present in population databases (rs755519779, gnomAD 0.007%). This variant has not been reported in the literature in individuals affected with WHRN-related conditions. ClinVar contains an entry for this variant (Variation ID: 2092862). Algorithms developed to predict the effect of missense changes on protein structure and function output the following: SIFT: "Not Available"; PolyPhen-2: "Benign"; Align-GVGD: "Not Available". The cysteine amino acid residue is found in multiple mammalian species, which suggests that this missense change does not adversely affect protein function. In summary, the available evidence is currently insufficient to determine the role of this variant in disease. Therefore, it has been classified as a Variant of Uncertain Significance.